The following is an entry in ClinVar:

NM_004380.3(CREBBP):c.5181C>T (p.Asp1727=)

Gene: CREBBP (CREB binding lysine acetyltransferase; minus strand). Cytogenetic location: 16p13.3.
Variant type: single nucleotide variant.
Coding change: c.5181C>T on transcript NM_004380.3 (MANE Select); coding-DNA position 5181, C replaced by T.
Protein change: p.Asp1727=; no amino-acid change (aspartic acid 1727 retained).
Molecular consequence: synonymous variant.
Genome position (GRCh38, 1-based): chr16:3,729,866, G>A on the plus strand (C>T on the coding strand, the complement: CREBBP is on the minus strand). VCF-style: chr16-3729866-G-A. GRCh37 (hg19) VCF-style: chr16-3779867-G-A.
Other names: c.5181C>T (NM_004380.2); c.5067C>T, p.Asp1689= (NM_001079846.1).
Identifiers: ClinVar variation 1952544 (VCV001952544.7), dbSNP rs767302334, ClinGen allele CA7869315.
Genomic context (GRCh38, chr16:3,729,866, plus strand): 5'-CAGCCCCCACTTCACCATCTTATGGGCATGGCTCTTCGTGTTATAGCAGTTGATGCAGAG[G>A]TCGTAGTCCTGCAAGCAAGGAAAGGGGACAGGCCGGTGTCAGCATGGGACCCAGTACCAC-3'
Protein context (NP_004371.2, residues 1717-1737): RWHCTVCEDY[Asp1727=]LCINCYNTKS

ClinVar aggregate classification (germline): Benign. Review status: criteria provided, single submitter (1 of 4 stars). 2 submissions from 2 submitters: Benign (1). 1 of the submissions does not count toward it. Last evaluated 2025-08-14.

Conditions:
Rubinstein-Taybi syndrome (RSTS). Identifiers: Orphanet 783, MedGen C0035934, MONDO:0019188.
CREBBP-related disorder. Also called: CREBBP-related condition; CREBBP-related disorders.

Allele frequency attached by ClinVar (database versions not stated): ExAC 0.00001; gnomAD 0.00001; gnomAD exomes 0.00002; TOPMed 0.00005.
gnomAD v4.1: 36 of 1,601,448 alleles (0.0022%); highest among the groups gnomAD compares: African/African-American, 0.0053%; no homozygotes.

Submissions (2):

Labcorp Genetics (formerly Invitae), Labcorp
Classification: Benign for Rubinstein-Taybi syndrome. Last evaluated: 2025-08-14. Review status: criteria provided, single submitter. Criteria: Invitae Variant Classification Sherloc (09022015). Collection method: clinical testing. Allele origin: germline.

PreventionGenetics, part of Exact Sciences
Classification: Likely benign for CREBBP-related condition. Last evaluated: 2021-09-03. Review status: no assertion criteria provided. Collection method: clinical testing. Allele origin: germline. Not counted in ClinVar's aggregate classification.
Comment: This variant is classified as likely benign based on ACMG/AMP sequence variant interpretation guidelines (Richards et al. 2015 PMID: 25741868, with internal and published modifications).